The following is an entry in ClinVar:

NM_014727.3(KMT2B):c.2116C>T (p.Arg706Ter)

Gene: KMT2B (lysine methyltransferase 2B; plus strand). Cytogenetic location: 19q13.12.
Variant type: single nucleotide variant.
Coding change: c.2116C>T on transcript NM_014727.3 (MANE Select); coding-DNA position 2116, C replaced by T.
Protein change: p.Arg706Ter; replaces arginine 706 with a stop codon.
Molecular consequence: nonsense.
Genome position (GRCh38, 1-based): chr19:35,721,463, C>T. VCF-style: chr19-35721463-C-T. GRCh37 (hg19) VCF-style: chr19-36212365-C-T.
Other names: short protein forms R706*.
Identifiers: ClinVar variation 4856972 (VCV004856972.2).
Genomic context (GRCh38, chr19:35,721,463, plus strand): 5'-GACTCTCCAGCTGAGCCTGAGCCTCGGGCAGTGGGCCGCACCAACCACCTCAGCCTGCCT[C>T]GATTCGCCCCTGTGGTCACCACTCCTGTTAAGGCCGAGGTGTCCCCTCACGGGGCTCCAG-3'

ClinVar aggregate classification (germline): Likely pathogenic (1 of 4 stars; one submission).

Submission:

Dasa
Classification: Likely pathogenic. Last evaluated: 2025-02-19. Review status: criteria provided, single submitter. Criteria: DASA Assertion Criteria. Collection method: clinical testing. Allele origin: germline.
Comment: NM_014727.3(KMT2B):c.2116C>T (p.Arg706*) is a nonsense variant in KMT2B predicted to introduce a premature termination codon and is predicted to result in an absent or altered protein product. Loss of function is an established disease mechanism for KMT2B (PMID: 33098801; PMID: 33150406; PMID: 36288966). Also, this variant is absent from population databases. Based on the currently available evidence, this variant is classified as likely pathogenic.

Literature cited by the submitters: PubMed 33098801; PubMed 33150406; PubMed 36288966.